The following is an entry in ClinVar:

NM_001367949.2(FAT3):c.2709A>C (p.Lys903Asn)

Gene: FAT3 (FAT atypical cadherin 3; plus strand). Cytogenetic location: 11q14.3.
Variant type: single nucleotide variant.
Coding change: c.2709A>C on transcript NM_001367949.2 (MANE Select); coding-DNA position 2709, A replaced by C.
Protein change: p.Lys903Asn; replaces lysine 903 with asparagine.
Molecular consequence: missense variant.
Genome position (GRCh38, 1-based): chr11:92,354,821, A>C. VCF-style: chr11-92354821-A-C. GRCh37 (hg19) VCF-style: chr11-92087987-A-C.
Other names: c.2709A>C, p.Lys903Asn (NM_001008781.3, NM_001378141.1); short protein forms K903N.
Identifiers: ClinVar variation 769804 (VCV000769804.6), dbSNP rs527501342, ClinGen allele CA6226515.

ClinVar aggregate classification (germline): Conflicting classifications of pathogenicity. Review status: criteria provided, conflicting classifications (1 of 4 stars). 3 submissions from 3 submitters: Uncertain significance (1); Benign (1). 1 of the submissions does not count toward it. Last evaluated 2025-10-07.

Conditions:
FAT3-related disorder. Also called: FAT3-related condition.

Allele frequency attached by ClinVar (database versions not stated): TOPMed 0.00048; ExAC 0.00111; gnomAD exomes 0.00124 and 0.00057; 1000 Genomes Project 0.00020; 1000 Genomes Project 30x 0.00031; gnomAD 0.00019.
gnomAD v4.1: 378 of 1,613,908 alleles (0.023%); highest among the groups gnomAD compares: Admixed American, 0.61%; 4 homozygotes.

Submissions (3):

Ambry Genetics
Classification: Uncertain significance. Last evaluated: 2025-10-07. Review status: criteria provided, single submitter. Criteria: Ambry Variant Classification Scheme 2023. Collection method: clinical testing. Allele origin: germline.

Labcorp Genetics (formerly Invitae), Labcorp
Classification: Benign. Last evaluated: 2017-09-28. Review status: criteria provided, single submitter. Criteria: Invitae Variant Classification Sherloc (09022015). Collection method: clinical testing. Allele origin: germline.

PreventionGenetics, part of Exact Sciences
Classification: Benign for FAT3-related condition. Last evaluated: 2019-06-02. Review status: no assertion criteria provided. Collection method: clinical testing. Allele origin: germline. Not counted in ClinVar's aggregate classification.
Comment: This variant is classified as benign based on ACMG/AMP sequence variant interpretation guidelines (Richards et al. 2015 PMID: 25741868, with internal and published modifications).